The following is an entry in ClinVar:

ClinVar aggregate classification (germline): Uncertain significance. Review status: criteria provided, multiple submitters, no conflicts (2 of 4 stars). 2 submissions from 2 submitters: Uncertain significance (2). Last evaluated 2024-07-23.

Conditions:
Renal cell carcinoma. Identifiers: Orphanet 217071, MedGen C0007134, MeSH D002292, MONDO:0005086, HP:0005584.
Hereditary cancer-predisposing syndrome. Also called: Hereditary Cancer Syndrome; Neoplastic Syndromes, Hereditary; Tumor predisposition; Hereditary neoplastic syndrome. Identifiers: Orphanet 140162, MedGen C0027672, MeSH D009386, MONDO:0015356.

Submissions (2):

Ambry Genetics
Classification: Uncertain significance for Hereditary cancer-predisposing syndrome. Last evaluated: 2024-07-23. Review status: criteria provided, single submitter. Criteria: Ambry Variant Classification Scheme 2023. Collection method: clinical testing. Allele origin: germline.
Comment: The p.I959M variant (also known as c.2877A>G), located in coding exon 12 of the MET gene, results from an A to G substitution at nucleotide position 2877. The isoleucine at codon 959 is replaced by methionine, an amino acid with highly similar properties. This amino acid position is conserved. In addition, this alteration is predicted to be tolerated by in silico analysis. Based on the available evidence, the clinical significance of this variant remains unclear.

Labcorp Genetics (formerly Invitae), Labcorp
Classification: Uncertain significance for Renal cell carcinoma. Last evaluated: 2023-07-20. Review status: criteria provided, single submitter. Criteria: Invitae Variant Classification Sherloc (09022015). Collection method: clinical testing. Allele origin: germline.
Comment: This variant is not present in population databases (gnomAD no frequency). In summary, the available evidence is currently insufficient to determine the role of this variant in disease. Therefore, it has been classified as a Variant of Uncertain Significance. Advanced modeling of protein sequence and biophysical properties (such as structural, functional, and spatial information, amino acid conservation, physicochemical variation, residue mobility, and thermodynamic stability) performed at Invitae indicates that this missense variant is not expected to disrupt MET protein function. This variant has not been reported in the literature in individuals affected with MET-related conditions. This sequence change replaces isoleucine, which is neutral and non-polar, with methionine, which is neutral and non-polar, at codon 959 of the MET protein (p.Ile959Met).

NM_000245.4(MET):c.2823A>G (p.Ile941Met)

Gene: MET (MET proto-oncogene, receptor tyrosine kinase; plus strand). Cytogenetic location: 7q31.2.
Variant type: single nucleotide variant.
Coding change: c.2823A>G on transcript NM_000245.4 (MANE Select); coding-DNA position 2823, A replaced by G.
Protein change: p.Ile941Met; replaces isoleucine 941 with methionine.
Molecular consequence: missense variant.
Genome position (GRCh38, 1-based): chr7:116,771,590, A>G. VCF-style: chr7-116771590-A-G. GRCh37 (hg19) VCF-style: chr7-116411644-A-G.
Other names: c.2877A>G, p.Ile959Met (NM_001127500.3); c.1533A>G, p.Ile511Met (NM_001324402.2); short protein forms I511M, I959M, I941M.
Identifiers: ClinVar variation 3009352 (VCV003009352.4), dbSNP rs1216931638, ClinGen allele CA368986590.
Genomic context (GRCh38, chr7:116,771,590, plus strand): 5'-AAAAGTAATAGTTCAACCAGATCAGAATTTCACAGGATTGATTGCTGGTGTTGTCTCAAT[A>G]TCAACAGCACTGTTATTACTACTTGGGTTTTTCCTGTGGCTGAAAAAGAGAAAGCAAATT-3'
Protein context (NP_000236.2, residues 931-951): FTGLIAGVVS[Ile941Met]STALLLLLGF